The following is an entry in ClinVar:

ClinVar aggregate classification (germline): Uncertain significance (1 of 4 stars; one submission).

Conditions:
Cardiovascular phenotype. Identifiers: MedGen CN230736.

Submission:

Ambry Genetics
Classification: Uncertain significance for Cardiovascular phenotype. Last evaluated: 2020-07-13. Review status: criteria provided, single submitter. Criteria: Ambry Variant Classification Scheme 2023. Collection method: clinical testing. Allele origin: germline.
Comment: The p.D311Y variant (also known as c.931G>T), located in coding exon 12 of the RYR2 gene, results from a G to T substitution at nucleotide position 931. The aspartic acid at codon 311 is replaced by tyrosine, an amino acid with highly dissimilar properties. This amino acid position is well conserved in available vertebrate species. In addition, the in silico prediction for this alteration is inconclusive. Since supporting evidence is limited at this time, the clinical significance of this alteration remains unclear.

NM_001035.3(RYR2):c.931G>T (p.Asp311Tyr)

Gene: RYR2 (ryanodine receptor 2; plus strand). Cytogenetic location: 1q43.
Variant type: single nucleotide variant.
Coding change: c.931G>T on transcript NM_001035.3 (MANE Select); coding-DNA position 931, G replaced by T.
Protein change: p.Asp311Tyr; replaces aspartic acid 311 with tyrosine.
Molecular consequence: missense variant.
Genome position (GRCh38, 1-based): chr1:237,423,174, G>T. VCF-style: chr1-237423174-G-T. GRCh37 (hg19) VCF-style: chr1-237586474-G-T.
Other names: short protein forms D311Y.
Identifiers: ClinVar variation 1766568 (VCV001766568.2), dbSNP rs2528090564, ClinGen allele CA345385392.